The following is an entry in ClinVar:

NM_002439.5(MSH3):c.1894_1896delinsT (p.Lys632fs)

Gene: MSH3 (mutS homolog 3; plus strand). Cytogenetic location: 5q14.1.
Variant type: Indel.
Coding change: c.1894_1896delinsT on transcript NM_002439.5 (MANE Select); coding-DNA positions 1894 to 1896, AAA replaced by T.
Protein change: p.Lys632fs; shifts the reading frame from lysine 632.
Molecular consequence: frameshift variant.
Genome position (GRCh38, 1-based): chr5:80,761,676-80,761,678, AAA replaced by T. VCF-style: chr5-80761676-AAA-T. GRCh37 (hg19) VCF-style: chr5-80057495-AAA-T.
Other names: short protein forms K632fs.
Identifiers: ClinVar variation 964962 (VCV000964962.5), dbSNP rs1744038356, ClinGen allele CA1139658912.

ClinVar aggregate classification (germline): Pathogenic (1 of 4 stars; one submission).

Submission:

Labcorp Genetics (formerly Invitae), Labcorp
Classification: Pathogenic. Last evaluated: 2019-03-07. Review status: criteria provided, single submitter. Criteria: Invitae Variant Classification Sherloc (09022015). Collection method: clinical testing. Allele origin: germline.
Comment: For these reasons, this variant has been classified as Pathogenic. Loss-of-function variants in MSH3 are known to be pathogenic (PMID: 27476653). Algorithms developed to predict the effect of sequence changes on RNA splicing suggest that this variant may disrupt the consensus splice site, but this prediction has not been confirmed by published transcriptional studies. This variant has not been reported in the literature in individuals with MSH3-related conditions. This variant is not present in population databases (ExAC no frequency). This sequence change creates a premature translational stop signal (p.Lys632Leufs*28) in the MSH3 gene. It is expected to result in an absent or disrupted protein product.

Literature cited by the submitters: PubMed 27476653.